The following is an entry in ClinVar:

ClinVar aggregate classification (germline): Uncertain significance. Review status: criteria provided, multiple submitters, no conflicts (2 of 4 stars). 3 submissions from 3 submitters: Uncertain significance (3). Last evaluated 2023-04-14.

Conditions:
Familial cancer of breast. Also called: BREAST CANCER, FAMILIAL; hereditary breast carcinoma; Hereditary breast cancer. Identifiers: Orphanet 227535, MedGen C0346153, MONDO:0016419, OMIM 114480. Disease mechanism: loss of function.
Ataxia-telangiectasia syndrome (AT). Also called: Ataxia-telangiectasia, complementation group D; AT, COMPLEMENTATION GROUP C; Ataxia-telangiectasia; ATAXIA-TELANGIECTASIA, COMPLEMENTATION GROUP A; ATAXIA-TELANGIECTASIA, FRESNO VARIANT; LOUIS-BAR SYNDROME. Identifiers: Orphanet 100, MedGen C0004135, MONDO:0008840, OMIM 208900.

Allele frequency attached by ClinVar (database versions not stated): gnomAD exomes below 0.00001.
gnomAD v4.1: 1 of 1,613,846 alleles (0.000062%); highest among the groups gnomAD compares: South Asian, 0.0011%; no homozygotes.

Submissions (3):

Department of Pathology and Laboratory Medicine, Sinai Health System
Classification: Uncertain significance for Familial cancer of breast. Last evaluated: 2023-04-14. Review status: criteria provided, single submitter. Criteria: ACMG Guidelines, 2015. Collection method: clinical testing. Allele origin: germline. Affected: yes.

Labcorp Genetics (formerly Invitae), Labcorp
Classification: Uncertain significance for Ataxia-telangiectasia syndrome. Last evaluated: 2023-01-18. Review status: criteria provided, single submitter. Criteria: Invitae Variant Classification Sherloc (09022015). Collection method: clinical testing. Allele origin: germline.
Comment: ClinVar contains an entry for this variant (Variation ID: 632652). In summary, the available evidence is currently insufficient to determine the role of this variant in disease. Therefore, it has been classified as a Variant of Uncertain Significance. Advanced modeling of protein sequence and biophysical properties (such as structural, functional, and spatial information, amino acid conservation, physicochemical variation, residue mobility, and thermodynamic stability) performed at Invitae indicates that this missense variant is not expected to disrupt ATM protein function. This variant has not been reported in the literature in individuals affected with ATM-related conditions. This variant is not present in population databases (gnomAD no frequency). This sequence change replaces isoleucine, which is neutral and non-polar, with valine, which is neutral and non-polar, at codon 97 of the ATM protein (p.Ile97Val).

Women's Health and Genetics/Laboratory Corporation of America, LabCorp
Classification: Uncertain significance. Last evaluated: 2018-08-17. Review status: criteria provided, single submitter. Criteria: LabCorp Variant Classification Summary - May 2015. Collection method: clinical testing. Allele origin: germline.
Comment: Variant summary: ATM c.289A>G (p.Ile97Val) results in a conservative amino acid change in the encoded protein sequence. Five of five in-silico tools predict a benign effect of the variant on protein function. The variant was absent in 276766 control chromosomes (gnomAD). The available data on variant occurrences in the general population are insufficient to allow any conclusion about variant significance. To our knowledge, no occurrence of c.289A>G in individuals affected with Breast Cancer and no experimental evidence demonstrating its impact on protein function have been reported. No clinical diagnostic laboratories have submitted clinical-significance assessments for this variant to ClinVar after 2014. Based on the evidence outlined above, the variant was classified as uncertain significance.

NM_000051.4(ATM):c.289A>G (p.Ile97Val)

Gene: ATM (ATM serine/threonine kinase; plus strand). Cytogenetic location: 11q22.3.
Variant type: single nucleotide variant.
Coding change: c.289A>G on transcript NM_000051.4 (MANE Select); coding-DNA position 289, A replaced by G.
Protein change: p.Ile97Val; replaces isoleucine 97 with valine.
Molecular consequence: missense variant.
Genome position (GRCh38, 1-based): chr11:108,229,281, A>G. VCF-style: chr11-108229281-A-G. GRCh37 (hg19) VCF-style: chr11-108100008-A-G.
Other names: c.289A>G, p.Ile97Val (NM_001351834.2, NM_001351835.2, NM_001351836.2); c.289A>G (NM_000051.2); short protein forms I97V.
Identifiers: ClinVar variation 632652 (VCV000632652.11), dbSNP rs1565347206, ClinGen allele CA382521713.